The following is an entry in ClinVar:

NM_024334.3(TMEM43):c.788T>A (p.Val263Glu)

Gene: TMEM43 (transmembrane protein 43; plus strand). Cytogenetic location: 3p25.1.
Variant type: single nucleotide variant.
Coding change: c.788T>A on transcript NM_024334.3 (MANE Select); coding-DNA position 788, T replaced by A.
Protein change: p.Val263Glu; replaces valine 263 with glutamic acid.
Molecular consequence: missense variant.
Genome position (GRCh38, 1-based): chr3:14,135,814, T>A. VCF-style: chr3-14135814-T-A. GRCh37 (hg19) VCF-style: chr3-14177314-T-A.
Other names: c.791T>A, p.Val264Glu (NM_001407274.1); c.785T>A, p.Val262Glu (NM_001407275.1, NM_001407277.1); c.788T>A, p.Val263Glu (NM_001407276.1); c.773T>A, p.Val258Glu (NM_001407278.1); c.713T>A, p.Val238Glu (NM_001407279.1); c.638T>A, p.Val213Glu (NM_001407280.1); short protein forms V238E, V264E, V258E, V262E, V213E, V263E.
Identifiers: ClinVar variation 3663498 (VCV003663498.2).

ClinVar aggregate classification (germline): Uncertain significance (1 of 4 stars; one submission).

Conditions:
Arrhythmogenic right ventricular dysplasia 5. Also called: Arrhythmogenic Right Ventricular Dysplasia/Cardiomyopathy 5; ARRHYTHMOGENIC RIGHT VENTRICULAR DYSPLASIA, FAMILIAL, 5. Identifiers: MedGen C1858379, MONDO:0011459, OMIM 604400.

Submission:

Labcorp Genetics (formerly Invitae), Labcorp
Classification: Uncertain significance for Arrhythmogenic right ventricular dysplasia 5. Last evaluated: 2024-08-27. Review status: criteria provided, single submitter. Criteria: Invitae Variant Classification Sherloc (09022015). Collection method: clinical testing. Allele origin: germline.
Comment: This sequence change replaces valine, which is neutral and non-polar, with glutamic acid, which is acidic and polar, at codon 263 of the TMEM43 protein (p.Val263Glu). This variant is not present in population databases (gnomAD no frequency). This variant has not been reported in the literature in individuals affected with TMEM43-related conditions. Invitae Evidence Modeling of protein sequence and biophysical properties (such as structural, functional, and spatial information, amino acid conservation, physicochemical variation, residue mobility, and thermodynamic stability) indicates that this missense variant is expected to disrupt TMEM43 protein function with a positive predictive value of 80%. In summary, the available evidence is currently insufficient to determine the role of this variant in disease. Therefore, it has been classified as a Variant of Uncertain Significance.